The following is an entry in ClinVar:

NM_001267550.2(TTN):c.26236T>C (p.Ser8746Pro)

Gene: TTN (titin; minus strand). Cytogenetic location: 2q31.2.
Variant type: single nucleotide variant.
Coding change: c.26236T>C on transcript NM_001267550.2 (MANE Select); coding-DNA position 26236, T replaced by C.
Protein change: p.Ser8746Pro; replaces serine 8746 with proline.
Molecular consequence: missense variant. On other transcripts: intron variant (3).
Genome position (GRCh38, 1-based): chr2:178,714,538, A>G on the plus strand (T>C on the coding strand, the complement: TTN is on the minus strand). VCF-style: chr2-178714538-A-G. GRCh37 (hg19) VCF-style: chr2-179579265-A-G.
Other names: p.Ser7502Pro; c.25285T>C, p.Ser8429Pro (NM_001256850.1); c.22504T>C, p.Ser7502Pro (NM_133378.4); c.13282+23544T>C (NM_003319.4); c.13858+23544T>C (NM_133437.4); c.13657+23544T>C (NM_133432.3); short protein forms S7502P, S8429P, S8746P.
Identifiers: ClinVar variation 3380897 (VCV003380897.1).
Genomic context (GRCh38, chr2:178,714,538, plus strand): 5'-AAATGGGTTCAGCGCCTTCAATGGTAGTCTGCAGCTGAACTTCTTTACCAACGACAGTAG[A>G]TATGTCACTGAGCTTCTTCACAAATCTTGGTGGTGCTGATGAAAAAGGAGGAAAGCCTGG-3'
Protein context (NP_001254479.2, residues 8736-8756): PRFVKKLSDI[Ser8746Pro]TVVGKEVQLQ

ClinVar aggregate classification (germline): Uncertain significance (1 of 4 stars; one submission).

gnomAD v4.1: 1 of 1,611,704 alleles (0.000062%); highest among the groups gnomAD compares: South Asian, 0.0011%; no homozygotes.

Submission:

Mayo Clinic Laboratories, Mayo Clinic
Classification: Uncertain significance. Last evaluated: 2024-09-05. Review status: criteria provided, single submitter. Criteria: ACMG Guidelines, 2015. Collection method: clinical testing. Allele origin: germline. Observed: 1 variant allele.
Comment: PM2